The following is an entry in ClinVar:

NM_006231.4(POLE):c.1029G>C (p.Leu343=)

Gene: POLE (DNA polymerase epsilon, catalytic subunit; minus strand). Cytogenetic location: 12q24.33.
Variant type: single nucleotide variant.
Coding change: c.1029G>C on transcript NM_006231.4 (MANE Select); coding-DNA position 1029, G replaced by C.
Protein change: p.Leu343=; no amino-acid change (leucine 343 retained).
Molecular consequence: synonymous variant.
Genome position (GRCh38, 1-based): chr12:132,675,812, C>G on the plus strand (G>C on the coding strand, the complement: POLE is on the minus strand). VCF-style: chr12-132675812-C-G. GRCh37 (hg19) VCF-style: chr12-133252398-C-G.
Identifiers: ClinVar variation 4841489 (VCV004841489.1).
Genomic context (GRCh38, chr12:132,675,812, plus strand): 5'-GTTGTAGGTGACCATGATGGTGGGTTTGGTCTCCTGGACGTGTTCAAACCACCTTTGGAT[C>G]AGATGAGCCTGAACCCAAGTCACAGCAGTCAGAGGTCTGCTCTTTCTCTTCTTCAAGCTA-3'
Protein context (NP_006222.2, residues 333-353): CVFNEPDEAH[Leu343=]IQRWFEHVQE

ClinVar aggregate classification (germline): Uncertain significance (1 of 4 stars; one submission).

Conditions:
Hereditary cancer-predisposing syndrome. Also called: Neoplastic Syndromes, Hereditary; Tumor predisposition; Hereditary Cancer Syndrome; Hereditary neoplastic syndrome. Identifiers: Orphanet 140162, MedGen C0027672, MeSH D009386, MONDO:0015356.

Submission:

Ambry Genetics
Classification: Uncertain significance for Hereditary cancer-predisposing syndrome. Last evaluated: 2026-01-16. Review status: criteria provided, single submitter. Criteria: Ambry Variant Classification Scheme 2023. Collection method: clinical testing. Allele origin: germline.
Comment: The c.1029G>C variant (also known as p.L343L), located in coding exon 11 of the POLE gene, results from a G to C substitution at nucleotide position 1029. This nucleotide substitution does not change the leucine at codon 343. This nucleotide position is poorly conserved in available vertebrate species. In silico splice site analysis for this alteration is inconclusive. Based on the available evidence, the clinical significance of this variant remains unclear.